The following is an entry in ClinVar:

ClinVar aggregate classification (germline): Uncertain significance (1 of 4 stars; one submission).

Conditions:
Hereditary cancer-predisposing syndrome. Also called: Neoplastic Syndromes, Hereditary; Tumor predisposition; Hereditary neoplastic syndrome; Hereditary Cancer Syndrome. Identifiers: Orphanet 140162, MedGen C0027672, MeSH D009386, MONDO:0015356.

Submission:

Ambry Genetics
Classification: Uncertain significance for Hereditary cancer-predisposing syndrome. Last evaluated: 2024-05-29. Review status: criteria provided, single submitter. Criteria: Ambry Variant Classification Scheme 2023. Collection method: clinical testing. Allele origin: germline.
Comment: The p.N1225D variant (also known as c.3673A>G), located in coding exon 30 of the TSC2 gene, results from an A to G substitution at nucleotide position 3673. The asparagine at codon 1225 is replaced by aspartic acid, an amino acid with highly similar properties. This amino acid position is conserved. In addition, the in silico prediction for this alteration is inconclusive. Based on the available evidence, the clinical significance of this variant remains unclear.

NM_000548.5(TSC2):c.3673A>G (p.Asn1225Asp)

Gene: TSC2 (TSC complex subunit 2; plus strand). Cytogenetic location: 16p13.3.
Variant type: single nucleotide variant.
Coding change: c.3673A>G on transcript NM_000548.5 (MANE Select); coding-DNA position 3673, A replaced by G.
Protein change: p.Asn1225Asp; replaces asparagine 1225 with aspartic acid.
Molecular consequence: missense variant. On other transcripts: non-coding transcript variant (5).
Genome position (GRCh38, 1-based): chr16:2,081,657, A>G. VCF-style: chr16-2081657-A-G. GRCh37 (hg19) VCF-style: chr16-2131658-A-G.
Other names: c.3532A>G, p.Asn1178Asp (NM_001406671.1); c.3526A>G, p.Asn1176Asp (NM_001406675.1); c.3529A>G, p.Asn1177Asp (NM_001406673.1); c.3523A>G, p.Asn1175Asp (NM_001406676.1); c.3484A>G, p.Asn1162Asp (NM_001406677.1); c.3430A>G, p.Asn1144Asp (NM_001406678.1); c.3394A>G, p.Asn1132Asp (NM_001406679.1); c.3082A>G, p.Asn1028Asp (NM_001406681.1); and 18 more; short protein forms N1028D, N1132D, N1162D, N1192D, N1211D, N1225D, N647D, N1024D.
Identifiers: ClinVar variation 3329524 (VCV003329524.1).